The following is an entry in ClinVar:

ClinVar aggregate classification (germline): Pathogenic (1 of 4 stars; one submission).

Submission:

Labcorp Genetics (formerly Invitae), Labcorp
Classification: Pathogenic. Last evaluated: 2023-11-27. Review status: criteria provided, single submitter. Criteria: Invitae Variant Classification Sherloc (09022015). Collection method: clinical testing. Allele origin: germline.
Comment: This sequence change creates a premature translational stop signal (p.Gln524Thrfs*67) in the LAMC3 gene. It is expected to result in an absent or disrupted protein product. Loss-of-function variants in LAMC3 are known to be pathogenic (PMID: 21572413, 26802095). This variant is not present in population databases (gnomAD no frequency). This variant has not been reported in the literature in individuals affected with LAMC3-related conditions. ClinVar contains an entry for this variant (Variation ID: 2037695). For these reasons, this variant has been classified as Pathogenic.

Literature cited by the submitters: PubMed 21572413; PubMed 26802095.

NM_006059.4(LAMC3):c.1568dup (p.Gln524fs)

Gene: LAMC3 (laminin subunit gamma 3; plus strand). Cytogenetic location: 9q34.12.
Variant type: Duplication.
Coding change: c.1568dup on transcript NM_006059.4 (MANE Select); coding-DNA position 1568, one base duplicated (C; older notation c.1568dupC).
Protein change: p.Gln524fs; shifts the reading frame from glutamine 524.
Molecular consequence: frameshift variant.
Genome position (GRCh38, 1-based): chr9:131,049,068, C duplicated; the last of 6 consecutive C bases (chr9:131,049,063-131,049,068); duplicating any one gives the same sequence. VCF-style (leftmost placement, unchanged base first): chr9-131049062-A-AC. GRCh37 (hg19) VCF-style: chr9-133924449-A-AC.
Other names: short protein forms Q524fs.
Identifiers: ClinVar variation 2037695 (VCV002037695.4), dbSNP rs1288962949, ClinGen allele CA590739254.